The following is an entry in ClinVar:

NM_000179.3(MSH6):c.1911C>T (p.Leu637=)

Gene: MSH6 (mutS homolog 6; plus strand). Cytogenetic location: 2p16.3.
Variant type: single nucleotide variant.
Coding change: c.1911C>T on transcript NM_000179.3 (MANE Select); coding-DNA position 1911, C replaced by T.
Protein change: p.Leu637=; no amino-acid change (leucine 637 retained).
Molecular consequence: synonymous variant. On other transcripts: non-coding transcript variant (5), intron variant (2).
Genome position (GRCh38, 1-based): chr2:47,799,894, C>T. VCF-style: chr2-47799894-C-T. GRCh37 (hg19) VCF-style: chr2-48027033-C-T.
Other names: c.1521C>T, p.Leu507= (NM_001281492.2); c.1005C>T, p.Leu335= (NM_001281493.2, NM_001281494.2, NM_001406811.1 and 6 more transcripts); c.2007C>T, p.Leu669= (NM_001406795.1, NM_001406802.1); c.1911C>T, p.Leu637= (NM_001406796.1, NM_001406798.1, NM_001406800.1 and 3 more transcripts); c.1614C>T, p.Leu538= (NM_001406797.1, NM_001406801.1, NM_001406805.1 and 10 more transcripts); c.1386C>T, p.Leu462= (NM_001406799.1, NM_001406806.1, NM_001406807.1); c.1833C>T, p.Leu611= (NM_001406804.1); c.1917C>T, p.Leu639= (NM_001406813.1); and 3 more.
Identifiers: ClinVar variation 1906132 (VCV001906132.8), dbSNP rs1572724900, ClinGen allele CA426121312.

ClinVar aggregate classification (germline): Benign/Likely benign. Review status: criteria provided, multiple submitters, no conflicts (2 of 4 stars). 4 submissions from 4 submitters: Benign (1); Likely benign (3). Last evaluated 2025-12-29.

Conditions:
Hereditary nonpolyposis colorectal neoplasms. Identifiers: MedGen C0009405, MeSH D003123.
Hereditary cancer-predisposing syndrome. Also called: Tumor predisposition; Neoplastic Syndromes, Hereditary; Hereditary Cancer Syndrome; Hereditary neoplastic syndrome. Identifiers: Orphanet 140162, MedGen C0027672, MeSH D009386, MONDO:0015356.
Lynch syndrome 5 (LYNCH5). Also called: Colorectal cancer, hereditary nonpolyposis, type 5; Hereditary non-polyposis colorectal cancer, type 5. Identifiers: Orphanet 144, MedGen C1833477, MONDO:0013710, OMIM 614350. Disease mechanism: loss of function.

Allele frequency attached by ClinVar (database versions not stated): gnomAD exomes below 0.00001.
gnomAD v4.1: 1 of 1,614,176 alleles (0.000062%); highest among the groups gnomAD compares: South Asian, 0.0011%; no homozygotes.

Submissions (4):

Center for Genomic Medicine, Rigshospitalet, Copenhagen University Hospital
Classification: Likely benign. Last evaluated: 2025-12-29. Review status: criteria provided, single submitter. Criteria: ACMG Guidelines, 2015. Collection method: clinical testing. Allele origin: germline.
Comment: Classification criteria: BP4, BP7

Labcorp Genetics (formerly Invitae), Labcorp
Classification: Likely benign for Hereditary nonpolyposis colorectal neoplasms. Last evaluated: 2025-12-15. Review status: criteria provided, single submitter. Criteria: Invitae Variant Classification Sherloc (09022015). Collection method: clinical testing. Allele origin: germline.

Ambry Genetics
Classification: Likely benign for Hereditary cancer-predisposing syndrome. Last evaluated: 2025-08-07. Review status: criteria provided, single submitter. Criteria: Ambry Variant Classification Scheme 2023. Collection method: clinical testing. Allele origin: germline.

Myriad Genetics, Inc.
Classification: Benign for Lynch syndrome 5. Last evaluated: 2024-12-30. Review status: criteria provided, single submitter. Criteria: Myriad Autosomal Dominant, Autosomal Recessive and X-Linked Classification Criteria (2023). Collection method: clinical testing. Allele origin: unknown.
Comment: This variant is considered benign. This variant is a silent/synonymous amino acid change and it is not expected to impact splicing.